The following is an entry in ClinVar:

NM_000535.7(PMS2):c.154A>C (p.Thr52Pro)

Gene: PMS2 (PMS1 homolog 2, mismatch repair system component; minus strand). Cytogenetic location: 7p22.1.
Variant type: single nucleotide variant.
Coding change: c.154A>C on transcript NM_000535.7 (MANE Select); coding-DNA position 154, A replaced by C.
Protein change: p.Thr52Pro; replaces threonine 52 with proline.
Molecular consequence: missense variant. On other transcripts: 5 prime UTR variant (38), non-coding transcript variant (1), intron variant (7).
Genome position (GRCh38, 1-based): chr7:6,005,901, T>G on the plus strand (A>C on the coding strand, the complement: PMS2 is on the minus strand). VCF-style: chr7-6005901-T-G. GRCh37 (hg19) VCF-style: chr7-6045532-T-G.
Other names: c.-252A>C (NM_001018040.1, NM_001322003.2, NM_001322005.2 and 11 more transcripts); c.154A>C, p.Thr52Pro (NM_001322006.2, NM_001406884.1, NM_001406885.1 and 10 more transcripts); c.-62A>C (NM_001322007.2, NM_001406876.1, NM_001406883.1 and 4 more transcripts); c.-731A>C (NM_001322011.2, NM_001322012.2); c.-331A>C (NM_001406877.1, NM_001406878.1, NM_001406882.1 and 2 more transcripts); c.-278A>C (NM_001406880.1); c.-199A>C (NM_001406888.1, NM_001406889.1, NM_001406892.1 and 5 more transcripts); c.-242A>C (NM_001406890.1); and 7 more; short protein forms T52P, T114P.
Identifiers: ClinVar variation 2855400 (VCV002855400.3), dbSNP rs2536580730, ClinGen allele CA366744964.

ClinVar aggregate classification (germline): Uncertain significance (1 of 4 stars; one submission).

Conditions:
Hereditary nonpolyposis colorectal neoplasms. Identifiers: MedGen C0009405, MeSH D003123.

gnomAD v4.1: 1 of 1,610,846 alleles (0.000062%); highest among the groups gnomAD compares: South Asian, 0.0011%; no homozygotes.

Submission:

Labcorp Genetics (formerly Invitae), Labcorp
Classification: Uncertain significance for Hereditary nonpolyposis colorectal neoplasms. Last evaluated: 2025-01-29. Review status: criteria provided, single submitter. Criteria: Invitae Variant Classification Sherloc (09022015). Collection method: clinical testing. Allele origin: germline.
Comment: This sequence change replaces threonine, which is neutral and polar, with proline, which is neutral and non-polar, at codon 52 of the PMS2 protein (p.Thr52Pro). This variant is not present in population databases (gnomAD no frequency). This variant has not been reported in the literature in individuals affected with PMS2-related conditions. ClinVar contains an entry for this variant (Variation ID: 2855400). Invitae Evidence Modeling incorporating data from in vitro experimental studies (internal data) indicates that this missense variant is not expected to disrupt PMS2 function with a negative predictive value of 95%. In summary, the available evidence is currently insufficient to determine the role of this variant in disease. Therefore, it has been classified as a Variant of Uncertain Significance.